The following is an entry in ClinVar:

NM_002485.5(NBN):c.11T>G (p.Leu4Arg)

Gene: NBN (nibrin; minus strand). Cytogenetic location: 8q21.3.
Variant type: single nucleotide variant.
Coding change: c.11T>G on transcript NM_002485.5 (MANE Select); coding-DNA position 11, T replaced by G.
Protein change: p.Leu4Arg; replaces leucine 4 with arginine.
Molecular consequence: missense variant. On other transcripts: 5 prime UTR variant (1).
Genome position (GRCh38, 1-based): chr8:89,984,551, A>C on the plus strand (T>G on the coding strand, the complement: NBN is on the minus strand). VCF-style: chr8-89984551-A-C. GRCh37 (hg19) VCF-style: chr8-90996779-A-C.
Other names: c.-286T>G (NM_001024688.3); short protein forms L4R.
Identifiers: ClinVar variation 461493 (VCV000461493.23), dbSNP rs748090667, ClinGen allele CA181286161.
Genomic context (GRCh38, chr8:89,984,551, plus strand): 5'-AAAATAGGCCCCGAGGCTTCCCTTCTGCCCTTACCTCCTGCCGGGCCCGCGGCGGGCAGC[A>C]GTTTCCACATCGGTCCGGCTCCTCAGGGCTGGGGCCGACGTGCAACCGCGTAACCGGGGC-3'
Protein context (NP_002476.2, residues 1-14): MWK[Leu4Arg]LPAAGPAGGE

ClinVar aggregate classification (germline): Uncertain significance. Review status: criteria provided, multiple submitters, no conflicts (2 of 4 stars). 5 submissions from 5 submitters: Uncertain significance (4). 1 of the submissions does not count toward it. Last evaluated 2023-08-31.

Conditions:
Hereditary cancer-predisposing syndrome. Also called: Hereditary neoplastic syndrome; Neoplastic Syndromes, Hereditary; Tumor predisposition; Hereditary Cancer Syndrome. Identifiers: Orphanet 140162, MedGen C0027672, MeSH D009386, MONDO:0015356.
Microcephaly, normal intelligence and immunodeficiency (NBS). Also called: IMMUNODEFICIENCY, MICROCEPHALY, AND CHROMOSOMAL INSTABILITY; SEEMANOVA SYNDROME II; Nijmegen breakage syndrome; Microcephaly with normal intelligence immunodeficiency and lymphoreticular malignancies; Nonsyndromal microcephaly autosomal recessive with normal intelligence; Seemanova syndrome 2. Identifiers: Orphanet 647, MedGen C0398791, MONDO:0009623, OMIM 251260.
Aplastic anemia. Identifiers: Orphanet 182040, Orphanet 88, MedGen C0002874, MONDO:0015909, OMIM 609135, HP:0001915.
Acute lymphoid leukemia (ALL). Also called: Acute lymphoblastic leukemia; Acute lymphocytic leukemia; Leukemia, acute lymphoblastic, somatic; Lymphoblastic leukemia. Identifiers: Orphanet 513, MedGen C0023449, MONDO:0004967, OMIM 613065, HP:0006721.

Allele frequency attached by ClinVar (database versions not stated): gnomAD exomes below 0.00001; TOPMed below 0.00001.
gnomAD v4.1: 1 of 1,613,196 alleles (0.000062%); highest among the groups gnomAD compares: Non-Finnish European, 0.000085%; no homozygotes.

Submissions (5):

Ambry Genetics
Classification: Uncertain significance for Hereditary cancer-predisposing syndrome. Last evaluated: 2023-08-31. Review status: criteria provided, single submitter. Criteria: Ambry Variant Classification Scheme 2023. Collection method: clinical testing. Allele origin: germline.
Comment: The p.L4R variant (also known as c.11T>G), located in coding exon 1 of the NBN gene, results from a T to G substitution at nucleotide position 11. The leucine at codon 4 is replaced by arginine, an amino acid with dissimilar properties. This amino acid position is highly conserved in available vertebrate species. In addition, this alteration is predicted to be deleterious by in silico analysis. Since supporting evidence is limited at this time, the clinical significance of this alteration remains unclear.

Labcorp Genetics (formerly Invitae), Labcorp
Classification: Uncertain significance for Microcephaly, normal intelligence and immunodeficiency. Last evaluated: 2022-10-17. Review status: criteria provided, single submitter. Criteria: Invitae Variant Classification Sherloc (09022015). Collection method: clinical testing. Allele origin: germline.
Comment: This sequence change replaces leucine, which is neutral and non-polar, with arginine, which is basic and polar, at codon 4 of the NBN protein (p.Leu4Arg). This variant is not present in population databases (gnomAD no frequency). This variant has not been reported in the literature in individuals affected with NBN-related conditions. ClinVar contains an entry for this variant (Variation ID: 461493). Algorithms developed to predict the effect of missense changes on protein structure and function are either unavailable or do not agree on the potential impact of this missense change (SIFT: "Deleterious"; PolyPhen-2: "Probably Damaging"; Align-GVGD: "Class C0"). In summary, the available evidence is currently insufficient to determine the role of this variant in disease. Therefore, it has been classified as a Variant of Uncertain Significance.

Genome-Nilou Lab
Classification: Uncertain significance for Microcephaly, normal intelligence and immunodeficiency. Last evaluated: 2021-11-07. Review status: criteria provided, single submitter. Criteria: ACMG Guidelines, 2015. Collection method: clinical testing. Allele origin: germline. Affected: no.

Fulgent Genetics
Classification: Uncertain significance for Microcephaly, normal intelligence and immunodeficiency; Aplastic anemia; Acute lymphoid leukemia. Last evaluated: 2018-10-31. Review status: criteria provided, single submitter. Criteria: ACMG Guidelines, 2015. Collection method: clinical testing. Allele origin: unknown.

Natera, Inc.
Classification: Uncertain significance for Nijmegen breakage syndrome. Last evaluated: 2020-08-12. Review status: no assertion criteria provided. Collection method: clinical testing. Allele origin: germline. Not counted in ClinVar's aggregate classification.